The following is an entry in ClinVar:

NM_001039213.4(CEACAM16):c.1045G>A (p.Ala349Thr)

Genes: CEACAM16 (CEA cell adhesion molecule 16, tectorial membrane component; plus strand), CEACAM16-AS1 (CEACAM16, CEACAM19 and PVR antisense RNA 1; minus strand). Cytogenetic location: 19q13.32.
Variant type: single nucleotide variant.
Coding change: c.1045G>A on transcript NM_001039213.4 (MANE Select); coding-DNA position 1045, G replaced by A.
Protein change: p.Ala349Thr; replaces alanine 349 with threonine.
Molecular consequence: missense variant.
Genome position (GRCh38, 1-based): chr19:44,707,965, G>A. VCF-style: chr19-44707965-G-A. GRCh37 (hg19) VCF-style: chr19-45211237-G-A.
Other names: c.1045G>A (NM_001039213.3); short protein forms A349T.
Identifiers: ClinVar variation 666667 (VCV000666667.7), dbSNP rs187740201, ClinGen allele CA9503216.

ClinVar aggregate classification (germline): Conflicting classifications of pathogenicity. Review status: criteria provided, conflicting classifications (1 of 4 stars). 3 submissions from 3 submitters: Uncertain significance (2); Likely benign (1). Last evaluated 2025-12-07.

Conditions:
CEACAM16-related disorder. Also called: CEACAM16-related condition.

Allele frequency attached by ClinVar (database versions not stated): TOPMed 0.00004; gnomAD 0.00006 and 0.00012; gnomAD exomes 0.00010 and 0.00017; ExAC 0.00018; 1000 Genomes Project 30x 0.00062; 1000 Genomes Project 0.00080.
gnomAD v4.1: 258 of 1,603,444 alleles (0.016%); highest among the groups gnomAD compares: East Asian, 0.56%; 2 homozygotes.

Submissions (3):

PreventionGenetics, part of Exact Sciences
Classification: Uncertain significance for CEACAM16-related condition. Last evaluated: 2025-12-07. Review status: criteria provided, single submitter. Criteria: ACMG Guidelines, 2015. Collection method: clinical testing. Allele origin: germline.
Comment: The CEACAM16 c.1045G>A variant is predicted to result in the amino acid substitution p.Ala349Thr. To our knowledge, this variant has not been reported in the literature. This variant is reported in 0.12% of alleles in individuals of East Asian descent in gnomAD. At this time, the clinical significance of this variant is uncertain due to the absence of conclusive functional and genetic evidence.

Labcorp Genetics (formerly Invitae), Labcorp
Classification: Uncertain significance. Last evaluated: 2024-06-26. Review status: criteria provided, single submitter. Criteria: Invitae Variant Classification Sherloc (09022015). Collection method: clinical testing. Allele origin: germline.
Comment: This sequence change replaces alanine, which is neutral and non-polar, with threonine, which is neutral and polar, at codon 349 of the CEACAM16 protein (p.Ala349Thr). The frequency data for this variant in the population databases is considered unreliable, as metrics indicate poor data quality at this position in the gnomAD database. This variant has not been reported in the literature in individuals affected with CEACAM16-related conditions. ClinVar contains an entry for this variant (Variation ID: 666667). Advanced modeling of protein sequence and biophysical properties (such as structural, functional, and spatial information, amino acid conservation, physicochemical variation, residue mobility, and thermodynamic stability) performed at Invitae indicates that this missense variant is not expected to disrupt CEACAM16 protein function with a negative predictive value of 80%. In summary, the available evidence is currently insufficient to determine the role of this variant in disease. Therefore, it has been classified as a Variant of Uncertain Significance.

Laboratory for Molecular Medicine, Mass General Brigham Personalized Medicine
Classification: Likely benign. Last evaluated: 2014-11-24. Review status: criteria provided, single submitter. Criteria: LMM Criteria. Collection method: clinical testing. Allele origin: germline. Observed: 1 variant allele.
Comment: Ala349Thr in exon 6 of CEACAM16: This variant is not expected to have clinical s ignificance because it has been identified in 1.7% (3/178) of Japanese chromosom es from a broad population by the 1000 Genomes Project (. gov/projects/SNP; dbSNP rs187740201).